The following is an entry in ClinVar:

NM_173660.5(DOK7):c.185T>A (p.Ile62Asn)

Gene: DOK7 (docking protein 7; plus strand). Cytogenetic location: 4p16.3.
Variant type: single nucleotide variant.
Coding change: c.185T>A on transcript NM_173660.5 (MANE Select); coding-DNA position 185, T replaced by A.
Protein change: p.Ile62Asn; replaces isoleucine 62 with asparagine.
Molecular consequence: missense variant. On other transcripts: intron variant (1).
Genome position (GRCh38, 1-based): chr4:3,473,490, T>A. VCF-style: chr4-3473490-T-A. GRCh37 (hg19) VCF-style: chr4-3475217-T-A.
Other names: c.185T>A, p.Ile62Asn (NM_001164673.2, NM_001301071.2); c.100+9939T>A (NM_001363811.2); short protein forms I62N.
Identifiers: ClinVar variation 2097102 (VCV002097102.1), dbSNP rs369362812, ClinGen allele CA356113288.

ClinVar aggregate classification (germline): Uncertain significance (1 of 4 stars; one submission).

Conditions:
Congenital myasthenic syndrome 10. Also called: Myasthenia, limb-girdle, familial. Identifiers: Orphanet 590, MedGen C1850792, MONDO:0009690, OMIM 254300.
Fetal akinesia deformation sequence 1 (FADS1). Also called: Pena-Shokeir syndrome type I; Fetal akinesia sequence. Identifiers: Orphanet 994, MedGen C1276035, MONDO:0100101, OMIM 208150, HP:0001989.

Submission:

Labcorp Genetics (formerly Invitae), Labcorp
Classification: Uncertain significance for Congenital myasthenic syndrome 10; Fetal akinesia deformation sequence 1. Last evaluated: 2022-02-12. Review status: criteria provided, single submitter. Criteria: Invitae Variant Classification Sherloc (09022015). Collection method: clinical testing. Allele origin: germline.
Comment: This sequence change replaces isoleucine, which is neutral and non-polar, with asparagine, which is neutral and polar, at codon 62 of the DOK7 protein (p.Ile62Asn). This variant is not present in population databases (gnomAD no frequency). This variant has not been reported in the literature in individuals affected with DOK7-related conditions. Algorithms developed to predict the effect of missense changes on protein structure and function are either unavailable or do not agree on the potential impact of this missense change (SIFT: "Deleterious"; PolyPhen-2: "Probably Damaging"; Align-GVGD: "Class C0"). In summary, the available evidence is currently insufficient to determine the role of this variant in disease. Therefore, it has been classified as a Variant of Uncertain Significance.